The following is an entry in ClinVar:

ClinVar aggregate classification (germline): Uncertain significance (1 of 4 stars; one submission).

gnomAD v4.1: 25 of 1,602,540 alleles (0.0016%); highest among the groups gnomAD compares: South Asian, 0.0011%; no homozygotes.

Submission:

Labcorp Genetics (formerly Invitae), Labcorp
Classification: Uncertain significance. Last evaluated: 2021-04-16. Review status: criteria provided, single submitter. Criteria: Invitae Variant Classification Sherloc (09022015). Collection method: clinical testing. Allele origin: germline.
Comment: This sequence change replaces proline with threonine at codon 972 of the COL18A1 protein (p.Pro972Thr). There is a small physicochemical difference between proline and threonine. This variant is present in population databases (rs779499435, ExAC 0.007%). This variant has not been reported in the literature in individuals with COL18A1-related conditions. Experimental studies and prediction algorithms are not available or were not evaluated, and the functional significance of this variant is currently unknown. In summary, the available evidence is currently insufficient to determine the role of this variant in disease. Therefore, it has been classified as a Variant of Uncertain Significance.

NM_001379500.1(COL18A1):c.2923C>A (p.Pro975Thr)

Genes: COL18A1 (collagen type XVIII alpha 1 chain; plus strand), SLC19A1 (solute carrier family 19 member 1; minus strand). Cytogenetic location: 21q22.3.
Variant type: single nucleotide variant.
Coding change: c.2923C>A on transcript NM_001379500.1 (MANE Select); coding-DNA position 2923, C replaced by A.
Protein change: p.Pro975Thr; replaces proline 975 with threonine.
Molecular consequence: missense variant.
Genome position (GRCh38, 1-based): chr21:45,505,188, C>A. VCF-style: chr21-45505188-C-A. GRCh37 (hg19) VCF-style: chr21-46925102-C-A.
Other names: c.3454C>A, p.Pro1152Thr (NM_030582.4); c.4159C>A, p.Pro1387Thr (NM_130444.3); short protein forms P1387T, P975T, P1152T.
Identifiers: ClinVar variation 1422077 (VCV001422077.3), dbSNP rs779499435, ClinGen allele CA10067554.
Genomic context (GRCh38, chr21:45,505,188, plus strand): 5'-CCGTAGGGTCCCAAGGGAGAGAGCATCCGGGGCCAGCCCGGCCCACCTGGACCTCAGGGA[C>A]CCCCCGGCATCGGCTACGAGGGGCGCCAGGGCCCTCCCGGCCCCCCAGGCCCCCCAGGGC-3'
Protein context (NP_001366429.1, residues 965-985): GQPGPPGPQG[Pro975Thr]PGIGYEGRQG